The following is an entry in ClinVar:

ClinVar aggregate classification (germline): Pathogenic (1 of 4 stars; one submission).

Conditions:
Cardiovascular phenotype. Identifiers: MedGen CN230736.

Submission:

Ambry Genetics
Classification: Pathogenic for Cardiovascular phenotype. Last evaluated: 2021-04-30. Review status: criteria provided, single submitter. Criteria: Ambry Variant Classification Scheme 2023. Collection method: clinical testing. Allele origin: germline.
Comment: The p.S97F variant (also known as c.290C>T), located in coding exon 3 of the TTR gene, results from a C to T substitution at nucleotide position 290. The serine at codon 97 is replaced by phenylalanine, an amino acid with highly dissimilar properties. This alteration, also known as p.S77F, has been reported in multiple individuals with transthyretin (TTR) amyloidosis (Plant&eacute;-Bordeneuve V et al. Neurology, 1998 Sep;51:708-14; Suhr OB et al. Transplantation, 2016 Feb;100:373-81; Yordanova I et al. Gene, 2019 Jul;705:16-21; Du K et al. Ann Clin Transl Neurol, 2021 Apr;8:831-841). Another alteration at the same codon, p.S97Y (c.290C>A), has also been described in numerous individuals with TTR amyloidosis (Wallace MR et al. J. Clin. Invest., 1988 Jan;81:189-93; Blanco-Jerez CR et al. Muscle Nerve, 1998 Nov;21:1478-85; Mariani LL et al. Ann. Neurol., 2015 Dec;78:901-16; Rowczenio D et al. Hum. Mutat., 2019 Jan;40:90-96). This variant is considered to be rare based on population cohorts in the Genome Aggregation Database (gnomAD). In addition, this alteration is predicted to be deleterious by BayesDel in silico analysis. Based on the supporting evidence, this alteration is interpreted as a disease-causing mutation.

Literature cited by the submitters: PubMed 26656838; PubMed 30981840; PubMed 33739616; PubMed 9748014.

NM_000371.4(TTR):c.290C>T (p.Ser97Phe)

Gene: TTR (transthyretin; plus strand). Cytogenetic location: 18q12.1.
Variant type: single nucleotide variant.
Coding change: c.290C>T on transcript NM_000371.4 (MANE Select); coding-DNA position 290, C replaced by T.
Protein change: p.Ser97Phe; replaces serine 97 with phenylalanine.
Molecular consequence: missense variant.
Genome position (GRCh38, 1-based): chr18:31,595,209, C>T. VCF-style: chr18-31595209-C-T. GRCh37 (hg19) VCF-style: chr18-29175172-C-T.
Other names: short protein forms S97F.
Identifiers: ClinVar variation 1797565 (VCV001797565.2), dbSNP rs121918071, ClinGen allele CA402157070.